The following is an entry in ClinVar:

NM_000237.3(LPL):c.804C>A (p.His268Gln)

Gene: LPL (lipoprotein lipase; plus strand). Cytogenetic location: 8p21.3.
Variant type: single nucleotide variant.
Coding change: c.804C>A on transcript NM_000237.3 (MANE Select); coding-DNA position 804, C replaced by A.
Protein change: p.His268Gln; replaces histidine 268 with glutamine.
Molecular consequence: missense variant.
Genome position (GRCh38, 1-based): chr8:19,955,869, C>A. VCF-style: chr8-19955869-C-A. GRCh37 (hg19) VCF-style: chr8-19813380-C-A.
Other names: short protein forms H268Q.
Identifiers: ClinVar variation 3251983 (VCV003251983.2), dbSNP rs776585907.
Genomic context (GRCh38, chr8:19,955,869, plus strand): 5'-AGATACAATCTTGGTGTCTCTTTTTTACCCAGATGTGGACCAGCTAGTGAAGTGCTCCCA[C>A]GAGCGCTCCATTCATCTCTTCATCGACTCTCTGTTGAATGAAGAAAATCCAAGTAAGGCC-3'
Protein context (NP_000228.1, residues 258-278): GDVDQLVKCS[His268Gln]ERSIHLFIDS

ClinVar aggregate classification (germline): Conflicting classifications of pathogenicity. Review status: criteria provided, conflicting classifications (1 of 4 stars). 2 submissions from 2 submitters: Likely pathogenic (1); Uncertain significance (1). Last evaluated 2024-07-05.

Conditions:
Hyperlipoproteinemia, type I. Also called: Lipoprotein Lipase Deficiency; Hyperlipoproteinemia type 1; Hyperchylomicro-nemia familial; Familial chylomicronemia; Hyperlipemia idiopathic Burger-Grutz type; Familial hyperlipo-proteinemia type 1. Identifiers: Orphanet 309015, Orphanet 444490, MedGen C0023817, MONDO:0009387, OMIM 238600. Disease mechanism: loss of function.

gnomAD v4.1: 1 of 1,614,154 alleles (0.000062%); highest among the groups gnomAD compares: Non-Finnish European, 0.000085%; no homozygotes.

Submissions (2):

Diagnostics Services (NGS), CSIR - Centre For Cellular And Molecular Biology
Classification: Likely pathogenic for Hyperlipoproteinemia, type I. Last evaluated: 2024-07-05. Review status: criteria provided, single submitter. Criteria: ACMG Guidelines, 2015. Collection method: clinical testing. Allele origin: germline. Affected: yes. Observed: 1 variant allele, 1 homozygote.
Comment: The c.804C>A variant is not present in publicly available population databases like 1000 Genomes, EVS, ExAC, gnomAD, Indian Exome Database or our in-house exome database. This variant has neither been published in literature with LPL-related conditions nor reported to the clinical databases like ClinVar, Human Genome Mutation Database (HGMD) or OMIM, in any affected individuals. In-silico pathogenicity prediction programs like SIFT, PolyPhen-2, MutationTaster2021, CADD, Franklin, Varsome etc predicted this variant to be likely deleterious. However these predictions were not confirmed by published functional studies. This variant is located in a mutational hotspot region of the gene and a different amino acid change in the same codon (His268Tyr) has been previously reported in homozygous state, in a patient with familial chylomicronemia syndrome. Flow cytometry confirmed the deficient expression of LPL protein in the patient [PMID:34324844].

Neuberg Centre For Genomic Medicine, NCGM
Classification: Uncertain significance for Hyperlipoproteinemia, type I. Review status: criteria provided, single submitter. Criteria: ACMG Guidelines, 2015. Collection method: clinical testing. Allele origin: germline. Inheritance: Autosomal recessive inheritance. Affected: yes.
Comment: The observed missense c.804C>A (p.His268Gln) variant in LPL gene has been reported previously in an individual affected with lipoprotein lipase deficiency (Kuthiroly et al., 2021). The p.His268Gln variant is absent in gnomAD Exomes. This variant has not been submitted to the ClinVar database. Multiple lines of computational evidence (Polyphen - Probably Damaging, SIFT - Damaging and MutationTaster - Disease causing) predict a damaging effect on protein structure and function for this variant. The amino acid His at position 268 is changed to a Gln changing protein sequence and it might alter its composition and physico-chemical properties. For these reasons, this variant has been classified as a Variant of Uncertain Significance (VUS).